The following is an entry in ClinVar:

NM_015693.4(INTU):c.2201C>T (p.Pro734Leu)

Gene: INTU (inturned planar cell polarity protein; plus strand). Cytogenetic location: 4q28.1.
Variant type: single nucleotide variant.
Coding change: c.2201C>T on transcript NM_015693.4 (MANE Select); coding-DNA position 2201, C replaced by T.
Protein change: p.Pro734Leu; replaces proline 734 with leucine.
Molecular consequence: missense variant.
Genome position (GRCh38, 1-based): chr4:127,706,899, C>T. VCF-style: chr4-127706899-C-T. GRCh37 (hg19) VCF-style: chr4-128628054-C-T.
Other names: c.2201C>T (NM_015693.3); short protein forms P734L.
Identifiers: ClinVar variation 2189928 (VCV002189928.5), dbSNP rs370165526, ClinGen allele CA3075268.

ClinVar aggregate classification (germline): Uncertain significance. Review status: criteria provided, multiple submitters, no conflicts (2 of 4 stars). 2 submissions from 2 submitters: Uncertain significance (2). Last evaluated 2025-09-17.

Conditions:
Inborn genetic diseases. Identifiers: MedGen C0950123, MeSH D030342.

Allele frequency attached by ClinVar (database versions not stated): gnomAD 0.00001; ExAC 0.00002; gnomAD exomes 0.00002; TOPMed 0.00003; ESP Exome Variant Server 0.00008.
gnomAD v4.1: 28 of 1,613,910 alleles (0.0017%); highest among the groups gnomAD compares: East Asian, 0.02%; no homozygotes.

Submissions (2):

Labcorp Genetics (formerly Invitae), Labcorp
Classification: Uncertain significance. Last evaluated: 2025-09-17. Review status: criteria provided, single submitter. Criteria: Invitae Variant Classification Sherloc (09022015). Collection method: clinical testing. Allele origin: germline.
Comment: This sequence change replaces proline, which is neutral and non-polar, with leucine, which is neutral and non-polar, at codon 734 of the INTU protein (p.Pro734Leu). This variant is present in population databases (rs370165526, gnomAD 0.004%). This variant has not been reported in the literature in individuals affected with INTU-related conditions. ClinVar contains an entry for this variant (Variation ID: 2189928). Invitae Evidence Modeling of protein sequence and biophysical properties (such as structural, functional, and spatial information, amino acid conservation, physicochemical variation, residue mobility, and thermodynamic stability) indicates that this missense variant is not expected to disrupt INTU protein function with a negative predictive value of 80%. In summary, the available evidence is currently insufficient to determine the role of this variant in disease. Therefore, it has been classified as a Variant of Uncertain Significance.

Ambry Genetics
Classification: Uncertain significance for Inborn genetic diseases. Last evaluated: 2025-08-05. Review status: criteria provided, single submitter. Criteria: Ambry Variant Classification Scheme 2023. Collection method: clinical testing. Allele origin: germline.